The following is an entry in ClinVar:

ClinVar aggregate classification (germline): Uncertain significance (1 of 4 stars; one submission).

gnomAD v4.1: 1 of 1,614,100 alleles (0.000062%); highest among the groups gnomAD compares: African/African-American, 0.0013%; no homozygotes.

Submission:

Labcorp Genetics (formerly Invitae), Labcorp
Classification: Uncertain significance. Last evaluated: 2023-06-30. Review status: criteria provided, single submitter. Criteria: Invitae Variant Classification Sherloc (09022015). Collection method: clinical testing. Allele origin: germline.
Comment: This sequence change replaces alanine, which is neutral and non-polar, with glycine, which is neutral and non-polar, at codon 2194 of the FBN3 protein (p.Ala2194Gly). This variant is not present in population databases (gnomAD no frequency). This variant has not been reported in the literature in individuals affected with FBN3-related conditions. Advanced modeling of protein sequence and biophysical properties (such as structural, functional, and spatial information, amino acid conservation, physicochemical variation, residue mobility, and thermodynamic stability) performed at Invitae indicates that this missense variant is not expected to disrupt FBN3 protein function. In summary, the available evidence is currently insufficient to determine the role of this variant in disease. Therefore, it has been classified as a Variant of Uncertain Significance.

NM_032447.5(FBN3):c.6581C>G (p.Ala2194Gly)

Gene: FBN3 (fibrillin 3; minus strand). Cytogenetic location: 19p13.2.
Variant type: single nucleotide variant.
Coding change: c.6581C>G on transcript NM_032447.5 (MANE Select); coding-DNA position 6581, C replaced by G.
Protein change: p.Ala2194Gly; replaces alanine 2194 with glycine.
Molecular consequence: missense variant.
Genome position (GRCh38, 1-based): chr19:8,087,863, G>C on the plus strand (C>G on the coding strand, the complement: FBN3 is on the minus strand). VCF-style: chr19-8087863-G-C. GRCh37 (hg19) VCF-style: chr19-8152747-G-C.
Other names: c.6581C>G, p.Ala2194Gly (NM_001321431.2); short protein forms A2194G.
Identifiers: ClinVar variation 2828908 (VCV002828908.3), dbSNP rs761703495, ClinGen allele CA403713610.